The following is an entry in ClinVar:

NM_001005242.3(PKP2):c.2113G>A (p.Ala705Thr)

Gene: PKP2 (plakophilin 2; minus strand). Cytogenetic location: 12p11.21.
Variant type: single nucleotide variant.
Coding change: c.2113G>A on transcript NM_001005242.3 (MANE Select); coding-DNA position 2113, G replaced by A.
Protein change: p.Ala705Thr; replaces alanine 705 with threonine.
Molecular consequence: missense variant.
Genome position (GRCh38, 1-based): chr12:32,802,457, C>T on the plus strand (G>A on the coding strand, the complement: PKP2 is on the minus strand). VCF-style: chr12-32802457-C-T. GRCh37 (hg19) VCF-style: chr12-32955391-C-T.
Other names: c.2113G>A, p.Ala705Thr (NM_001407155.1); c.1948G>A, p.Ala650Thr (NM_001407156.1); c.1786G>A, p.Ala596Thr (NM_001407158.1, NM_001407159.1, NM_001407160.1); c.2245G>A, p.Ala749Thr (NM_004572.4); short protein forms A650T, A705T, A596T, A749T.
Identifiers: ClinVar variation 2214484 (VCV002214484.3), dbSNP rs1401436066, ClinGen allele CA384359529.
Genomic context (GRCh38, chr12:32,802,457, plus strand): 5'-ACTCACCAATTTCATTCTGCAGAGAAAGATTCCGGGACAGATTCCTCAGCAGCGAGATGG[C>T]TGTCTTTTTCACACTTGGGTCACCAACATGCAGCATCTTTCGGGTGTGCTGCAGGCCACT-3'
Protein context (NP_001005242.2, residues 695-715): HVGDPSVKKT[Ala705Thr]ISLLRNLSRN

ClinVar aggregate classification (germline): Uncertain significance. Review status: criteria provided, multiple submitters, no conflicts (2 of 4 stars). 2 submissions from 2 submitters: Uncertain significance (2). Last evaluated 2024-01-03.

Conditions:
Arrhythmogenic right ventricular cardiomyopathy (ARVD). Also called: Arrhythmogenic right ventricular dysplasia; Cardiomyopathy, ARVC; Arrhythmogenic cardiomyopathy; Arrhythmogenic Right Ventricular Cardiomyopathy (ARVC). Identifiers: Orphanet 247, MedGen C0349788, MeSH D019571, MONDO:0016587. Disease mechanism: loss of function. Inheritance: Various modes of inheritance.
Cardiovascular phenotype. Identifiers: MedGen CN230736.

Allele frequency attached by ClinVar (database versions not stated): gnomAD 0.00001; gnomAD exomes 0.00001; TOPMed 0.00008.
gnomAD v4.1: 6 of 1,613,996 alleles (0.00037%); highest among the groups gnomAD compares: Admixed American, 0.0083%; no homozygotes.

Submissions (2):

Ambry Genetics
Classification: Uncertain significance for Cardiovascular phenotype. Last evaluated: 2024-01-03. Review status: criteria provided, single submitter. Criteria: Ambry Variant Classification Scheme 2023. Collection method: clinical testing. Allele origin: germline.
Comment: The p.A749T variant (also known as c.2245G>A), located in coding exon 11 of the PKP2 gene, results from a G to A substitution at nucleotide position 2245. The alanine at codon 749 is replaced by threonine, an amino acid with similar properties. This amino acid position is conserved. In addition, the in silico prediction for this alteration is inconclusive. Since supporting evidence is limited at this time, the clinical significance of this alteration remains unclear.

All of Us Research Program, National Institutes of Health
Classification: Uncertain significance for Arrhythmogenic right ventricular cardiomyopathy. Last evaluated: 2023-12-01. Review status: criteria provided, single submitter. Criteria: ACMG Guidelines, 2015. Collection method: clinical testing. Allele origin: germline. Inheritance: Autosomal dominant inheritance. Observed: 1 variant allele, 1 heterozygote.
Comment: This study involves interpretation of variants in research participants for the purpose of population health screening. Participant phenotype was not available at the time of variant classification. Additional details can be found in publication PMID: 35346344, PMCID: PMC8962531